The following is an entry in ClinVar:

ClinVar aggregate classification (germline): Uncertain significance (1 of 4 stars; one submission).

Submission:

GeneDx
Classification: Uncertain significance. Last evaluated: 2019-04-05. Review status: criteria provided, single submitter. Criteria: GeneDx Variant Classification Process June 2021. Collection method: clinical testing. Allele origin: germline. Affected: yes.
Comment: Not observed in large population cohorts (Lek et al., 2016); In silico analysis, which includes protein predictors and evolutionary conservation, supports a deleterious effect; Has not been previously published as pathogenic or benign to our knowledge

NM_207037.2(TCF12):c.2057C>T (p.Pro686Leu)

Gene: TCF12 (transcription factor 12; plus strand). Cytogenetic location: 15q21.3.
Variant type: single nucleotide variant.
Coding change: c.2057C>T on transcript NM_207037.2 (MANE Select); coding-DNA position 2057, C replaced by T.
Protein change: p.Pro686Leu; replaces proline 686 with leucine.
Molecular consequence: missense variant.
Genome position (GRCh38, 1-based): chr15:57,282,523, C>T. VCF-style: chr15-57282523-C-T. GRCh37 (hg19) VCF-style: chr15-57574721-C-T.
Other names: c.1547C>T, p.Pro516Leu (NM_001306219.3); c.1277C>T, p.Pro426Leu (NM_001306220.3); c.2057C>T, p.Pro686Leu (NM_001322151.2, NM_001322159.3, NM_001322162.2 and 1 more transcripts); c.2054C>T, p.Pro685Leu (NM_001322152.2, NM_001322161.2); c.1400C>T, p.Pro467Leu (NM_001322154.2); c.1883C>T, p.Pro628Leu (NM_001322156.2); c.1985C>T, p.Pro662Leu (NM_001322157.3, NM_001322165.2, NM_003205.4 and 1 more transcripts); c.1811C>T, p.Pro604Leu (NM_001322158.2); and 2 more; short protein forms P426L, P467L, P492L, P516L, P604L, P628L, P662L, P674L.
Identifiers: ClinVar variation 1302253 (VCV001302253.2), dbSNP rs2152135529, ClinGen allele CA392593925.